The following is an entry in ClinVar:

NM_001349253.2(SCN11A):c.1416A>C (p.Arg472Ser)

Gene: SCN11A (sodium voltage-gated channel alpha subunit 11; minus strand). Cytogenetic location: 3p22.2.
Variant type: single nucleotide variant.
Coding change: c.1416A>C on transcript NM_001349253.2 (MANE Select); coding-DNA position 1416, A replaced by C.
Protein change: p.Arg472Ser; replaces arginine 472 with serine.
Molecular consequence: missense variant.
Genome position (GRCh38, 1-based): chr3:38,908,006, T>G on the plus strand (A>C on the coding strand, the complement: SCN11A is on the minus strand). VCF-style: chr3-38908006-T-G. GRCh37 (hg19) VCF-style: chr3-38949497-T-G.
Other names: c.1416A>C, p.Arg472Ser (NM_014139.3); short protein forms R472S.
Identifiers: ClinVar variation 4782588 (VCV004782588.1).

ClinVar aggregate classification (germline): Uncertain significance (1 of 4 stars; one submission).

Conditions:
Familial episodic pain syndrome with predominantly lower limb involvement. Also called: Episodic pain syndrome, familial, 3. Identifiers: Orphanet 391384, Orphanet 391392, MedGen C3809899, MONDO:0014247, OMIM 615552.
Hereditary sensory and autonomic neuropathy type 7. Also called: HSAN VII; Neuropathy, hereditary sensory and autonomic, type VII. Identifiers: Orphanet 391397, MedGen C3809882, MONDO:0014244, OMIM 615548.

Submission:

Labcorp Genetics (formerly Invitae), Labcorp
Classification: Uncertain significance for Familial episodic pain syndrome with predominantly lower limb involvement; Hereditary sensory and autonomic neuropathy type 7. Last evaluated: 2025-05-23. Review status: criteria provided, single submitter. Criteria: Invitae Variant Classification Sherloc (09022015). Collection method: clinical testing. Allele origin: germline.
Comment: This sequence change replaces arginine, which is basic and polar, with serine, which is neutral and polar, at codon 472 of the SCN11A protein (p.Arg472Ser). This variant is not present in population databases (gnomAD no frequency). This variant has not been reported in the literature in individuals affected with SCN11A-related conditions. Invitae Evidence Modeling of protein sequence and biophysical properties (such as structural, functional, and spatial information, amino acid conservation, physicochemical variation, residue mobility, and thermodynamic stability) indicates that this missense variant is not expected to disrupt SCN11A protein function with a negative predictive value of 80%. In summary, the available evidence is currently insufficient to determine the role of this variant in disease. Therefore, it has been classified as a Variant of Uncertain Significance.